The following is an entry in ClinVar:

NM_001062.4(TCN1):c.1225G>A (p.Glu409Lys)

Gene: TCN1 (transcobalamin 1; minus strand). Cytogenetic location: 11q12.1.
Variant type: single nucleotide variant.
Coding change: c.1225G>A on transcript NM_001062.4 (MANE Select); coding-DNA position 1225, G replaced by A.
Protein change: p.Glu409Lys; replaces glutamic acid 409 with lysine.
Molecular consequence: missense variant.
Genome position (GRCh38, 1-based): chr11:59,853,218, C>T on the plus strand (G>A on the coding strand, the complement: TCN1 is on the minus strand). VCF-style: chr11-59853218-C-T. GRCh37 (hg19) VCF-style: chr11-59620691-C-T.
Other names: short protein forms E409K.
Identifiers: ClinVar variation 952094 (VCV000952094.9), dbSNP rs140632800, ClinGen allele CA6021766.

ClinVar aggregate classification (germline): Uncertain significance (1 of 4 stars; one submission).

Conditions:
Transcobalamin I deficiency (TCN1D). Also called: COBALAMIN PSEUDODEFICIENCY DUE TO TRANSCOBALAMIN DEFICIENCY; COBALAMIN R BINDER PROTEIN DEFICIENCY; TCN1 DEFICIENCY. Identifiers: Orphanet 2967, MedGen C0342700, MONDO:0008659, OMIM 193090.

Allele frequency attached by ClinVar (database versions not stated): ExAC 0.00002; gnomAD 0.00002 and 0.00003; gnomAD exomes 0.00003 and 0.00006; TOPMed 0.00005; ESP Exome Variant Server 0.00008.
gnomAD v4.1: 84 of 1,613,926 alleles (0.0052%); highest among the groups gnomAD compares: South Asian, 0.0066%; no homozygotes.

Submission:

Labcorp Genetics (formerly Invitae), Labcorp
Classification: Uncertain significance for Transcobalamin I deficiency. Last evaluated: 2019-08-18. Review status: criteria provided, single submitter. Criteria: Invitae Variant Classification Sherloc (09022015). Collection method: clinical testing. Allele origin: germline.
Comment: This variant is present in population databases (rs140632800, ExAC 0.003%). This variant has not been reported in the literature in individuals with TCN1-related conditions. Algorithms developed to predict the effect of missense changes on protein structure and function output the following: SIFT: "Tolerated"; PolyPhen-2: "Benign"; Align-GVGD: "Class C0". The lysine amino acid residue is found in multiple mammalian species, suggesting that this missense change does not adversely affect protein function. These predictions have not been confirmed by published functional studies and their clinical significance is uncertain. In summary, the available evidence is currently insufficient to determine the role of this variant in disease. Therefore, it has been classified as a Variant of Uncertain Significance. This sequence change replaces glutamic acid with lysine at codon 409 of the TCN1 protein (p.Glu409Lys). The glutamic acid residue is weakly conserved and there is a small physicochemical difference between glutamic acid and lysine.